The following is an entry in ClinVar:

ClinVar aggregate classification (germline): Uncertain significance (1 of 4 stars; one submission).

Allele frequency attached by ClinVar (database versions not stated): gnomAD 0.00001.
gnomAD v4.1: 1 of 1,614,096 alleles (0.000062%); highest among the groups gnomAD compares: South Asian, 0.0011%; no homozygotes.

Submission:

Ambry Genetics
Classification: Uncertain significance. Last evaluated: 2024-05-04. Review status: criteria provided, single submitter. Criteria: Ambry Variant Classification Scheme 2023. Collection method: clinical testing. Allele origin: germline.
Comment: The p.Q90R variant (also known as c.269A>G), located in coding exon 2 of the IDH1 gene, results from an A to G substitution at nucleotide position 269. The glutamine at codon 90 is replaced by arginine, an amino acid with highly similar properties. This amino acid position is conserved. In addition, the in silico prediction for this alteration is inconclusive. Since supporting evidence is limited at this time, the clinical significance of this alteration remains unclear.

NM_005896.4(IDH1):c.269A>G (p.Gln90Arg)

Gene: IDH1 (isocitrate dehydrogenase (NADP(+)) 1; minus strand). Cytogenetic location: 2q34.
Variant type: single nucleotide variant.
Coding change: c.269A>G on transcript NM_005896.4 (MANE Select); coding-DNA position 269, A replaced by G.
Protein change: p.Gln90Arg; replaces glutamine 90 with arginine.
Molecular consequence: missense variant.
Genome position (GRCh38, 1-based): chr2:208,248,514, T>C on the plus strand (A>G on the coding strand, the complement: IDH1 is on the minus strand). VCF-style: chr2-208248514-T-C. GRCh37 (hg19) VCF-style: chr2-209113238-T-C.
Other names: c.269A>G, p.Gln90Arg (NM_001282386.1, NM_001282387.1); short protein forms Q90R.
Identifiers: ClinVar variation 1794877 (VCV001794877.3), dbSNP rs1688064924, ClinGen allele CA350101835.